The following is an entry in ClinVar:

NM_000237.3(LPL):c.493G>T (p.Ala165Ser)

Gene: LPL (lipoprotein lipase; plus strand). Cytogenetic location: 8p21.3.
Variant type: single nucleotide variant.
Coding change: c.493G>T on transcript NM_000237.3 (MANE Select); coding-DNA position 493, G replaced by T.
Protein change: p.Ala165Ser; replaces alanine 165 with serine.
Molecular consequence: missense variant.
Genome position (GRCh38, 1-based): chr8:19,953,373, G>T. VCF-style: chr8-19953373-G-T. GRCh37 (hg19) VCF-style: chr8-19810884-G-T.
Other names: c.493G>T (NM_000237.2); short protein forms A165S.
Identifiers: ClinVar variation 4856647 (VCV004856647.2).

ClinVar aggregate classification (germline): Uncertain significance. Review status: criteria provided, single submitter (1 of 4 stars). 2 submissions from 2 submitters: Uncertain significance (1). 1 of the submissions does not count toward it. Last evaluated 2026-07-31.

Conditions:
LPL-related disorder. Also called: LPL-related condition.
Hyperlipoproteinemia, type I. Also called: Familial Lipoprotein Lipase Deficiency; Lipoprotein Lipase Deficiency; Lipase D deficiency; HYPERLIPOPROTEINEMIA, TYPE IA; LPL DEFICIENCY; Hyperlipoproteinemia type 1. Identifiers: Orphanet 309015, Orphanet 444490, MedGen C0023817, MONDO:0009387, OMIM 238600. Disease mechanism: loss of function.

gnomAD v4.1: 8 of 1,614,038 alleles (0.0005%); highest among the groups gnomAD compares: Admixed American, 0.0017%; no homozygotes.

Submissions (2):

PreventionGenetics, part of Exact Sciences
Classification: Uncertain significance for LPL-related condition. Last evaluated: 2026-07-31. Review status: criteria provided, single submitter. Criteria: ACMG Guidelines, 2015. Collection method: clinical testing. Allele origin: germline.
Comment: The LPL c.493G>T variant is predicted to result in the amino acid substitution p.Ala165Ser. This variant has been reported in a cohort study with hypertriglyceridemia (Table S2, Deshotels et al. 2022. PubMed ID: 36325899). This variant has not been reported in a large population database (gnomAD), indicating this variant is rare. At this time, the clinical significance of this variant is uncertain due to the absence of conclusive functional and genetic evidence.

Cardiovascular Genetics Laboratory, PathWest Laboratory Medicine WA - Fiona Stanley Hospital
Classification: Uncertain significance for Hyperlipoproteinemia, type I. Last evaluated: 2022-04-05. Review status: no assertion criteria provided. Criteria: ACMG Guidelines, 2015. Collection method: clinical testing. Allele origin: germline. Not counted in ClinVar's aggregate classification.